The following is an entry in ClinVar:

ClinVar aggregate classification (germline): Uncertain significance (1 of 4 stars; one submission).

Submission:

Labcorp Genetics (formerly Invitae), Labcorp
Classification: Uncertain significance. Last evaluated: 2025-01-15. Review status: criteria provided, single submitter. Criteria: Invitae Variant Classification Sherloc (09022015). Collection method: clinical testing. Allele origin: germline.
Comment: This variant, c.13887_13892dup, results in the insertion of 2 amino acid(s) of the ADGRV1 protein (p.Leu4630_Thr4631dup), but otherwise preserves the integrity of the reading frame. This variant is present in population databases (rs766379556, gnomAD 0.006%). This variant has not been reported in the literature in individuals affected with ADGRV1-related conditions. ClinVar contains an entry for this variant (Variation ID: 1016025). Experimental studies and prediction algorithms are not available or were not evaluated, and the functional significance of this variant is currently unknown. In summary, the available evidence is currently insufficient to determine the role of this variant in disease. Therefore, it has been classified as a Variant of Uncertain Significance.

NM_032119.4(ADGRV1):c.13887_13892dup (p.Leu4630_Thr4631dup)

Gene: ADGRV1 (adhesion G protein-coupled receptor V1; plus strand). Cytogenetic location: 5q14.3.
Variant type: Duplication.
Coding change: c.13887_13892dup on transcript NM_032119.4 (MANE Select); coding-DNA positions 13887 to 13892, 6 bases duplicated (ATTAAC; older notation c.13887_13892dupATTAAC).
Protein change: p.Leu4630_Thr4631dup.
Molecular consequence: inframe insertion. On other transcripts: non-coding transcript variant (1).
Genome position (GRCh38, 1-based): chr5:90,788,304-90,788,309, ATTAAC duplicated; duplicating any 6 consecutive bases within chr5:90,788,302-90,788,309 gives the same sequence; the c. name uses the placement nearest the transcript's 3' end. VCF-style (leftmost placement, unchanged base first): chr5-90788301-T-TACATTA. GRCh37 (hg19) VCF-style: chr5-90084118-T-TACATTA.
Identifiers: ClinVar variation 1016025 (VCV001016025.8), dbSNP rs766379556, ClinGen allele CA3341630.